The following is an entry in ClinVar:

ClinVar aggregate classification (germline): Likely benign. Review status: criteria provided, multiple submitters, no conflicts (2 of 4 stars). 3 submissions from 3 submitters: Likely benign (3). Last evaluated 2026-01-31.

Allele frequency attached by ClinVar (database versions not stated): gnomAD exomes 0.00006 and 0.00008; ExAC 0.00008; gnomAD 0.00013; TOPMed 0.00014; 1000 Genomes Project 0.00060; 1000 Genomes Project 30x 0.00062.
gnomAD v4.1: 108 of 1,613,224 alleles (0.0067%); highest among the groups gnomAD compares: African/African-American, 0.028%; no homozygotes.

Submissions (3):

Labcorp Genetics (formerly Invitae), Labcorp
Classification: Likely benign. Last evaluated: 2026-01-31. Review status: criteria provided, single submitter. Criteria: Invitae Variant Classification Sherloc (09022015). Collection method: clinical testing. Allele origin: germline.

CeGaT Center for Human Genetics Tuebingen
Classification: Likely benign. Last evaluated: 2025-03-01. Review status: criteria provided, single submitter. Criteria: CeGaT Center For Human Genetics Tuebingen Variant Classification Criteria Version 2. Collection method: clinical testing. Allele origin: germline. Affected: yes. Observed: 1 variant allele.
Comment: CACNA1E: BP4, BP7

Blueprint Genetics
Classification: Likely benign. Last evaluated: 2024-03-26. Review status: criteria provided, single submitter. Criteria: ACMG Guidelines, 2015. Collection method: clinical testing. Allele origin: germline.

NM_001205293.3(CACNA1E):c.3831C>T (p.Ala1277=)

Gene: CACNA1E (calcium voltage-gated channel subunit alpha1 E; plus strand). Cytogenetic location: 1q25.3.
Variant type: single nucleotide variant.
Coding change: c.3831C>T on transcript NM_001205293.3 (MANE Select); coding-DNA position 3831, C replaced by T.
Protein change: p.Ala1277=; no amino-acid change (alanine 1277 retained).
Molecular consequence: synonymous variant.
Genome position (GRCh38, 1-based): chr1:181,755,239, C>T. VCF-style: chr1-181755239-C-T. GRCh37 (hg19) VCF-style: chr1-181724375-C-T.
Other names: c.3831C>T, p.Ala1277= (NM_000721.4); c.3774C>T, p.Ala1258= (NM_001205294.2).
Identifiers: ClinVar variation 1563335 (VCV001563335.16), dbSNP rs151199991, ClinGen allele CA1275727.
Genomic context (GRCh38, chr1:181,755,239, plus strand): 5'-GGCAAGTATGCAGACCATCACAGGGTTCACACAGCAGGGCTGTTTGCTCTGTCCACAGGC[C>T]GTCTTCGACTGCGTAGTGACCTCCTTGAAGAATGTCTTCAACATACTCATTGTGTACAAG-3'
Protein context (NP_001192222.1, residues 1267-1287): KTIKRLPKLK[Ala1277=]VFDCVVTSLK